The following is an entry in ClinVar:

NM_000093.5(COL5A1):c.4659G>A (p.Pro1553=)

Genes: COL5A1 (collagen type V alpha 1 chain; plus strand), LOC101448202 (uncharacterized LOC101448202; minus strand). Cytogenetic location: 9q34.3.
Variant type: single nucleotide variant.
Coding change: c.4659G>A on transcript NM_000093.5 (MANE Select); coding-DNA position 4659, G replaced by A.
Protein change: p.Pro1553=; no amino-acid change (proline 1553 retained).
Molecular consequence: synonymous variant.
Genome position (GRCh38, 1-based): chr9:134,823,430, G>A. VCF-style: chr9-134823430-G-A. GRCh37 (hg19) VCF-style: chr9-137715276-G-A.
Other names: c.4659G>A, p.Pro1553= (NM_001278074.1).
Identifiers: ClinVar variation 389823 (VCV000389823.39), dbSNP rs368782334, ClinGen allele CA5320416.

ClinVar aggregate classification (germline): Benign/Likely benign. Review status: criteria provided, multiple submitters, no conflicts (2 of 4 stars). 8 submissions from 7 submitters: Benign (3); Likely benign (4). 1 of the submissions does not count toward it. Last evaluated 2026-01-15.

Conditions:
COL5A1-related disorder. Also called: COL5A1-related condition.
Familial thoracic aortic aneurysm and aortic dissection (TAAD). Also called: Thoracic aortic aneurysms and dissections. Identifiers: Orphanet 91387, MedGen C4707243, MONDO:0019625.
Ehlers-Danlos syndrome, classic type, 1 (EDSCL1). Also called: Ehlers-Danlos syndrome, type 1; EDS I; EHLERS-DANLOS SYNDROME, GRAVIS TYPE; EHLERS-DANLOS SYNDROME, SEVERE CLASSIC TYPE; Ehlers-Danlos Syndrome, Classic Type, COL5A1-Related. Identifiers: MedGen C0268335, MONDO:0019567, OMIM 130000.
Fibromuscular dysplasia, multifocal. Identifiers: MedGen C5543412, MONDO:0859151, OMIM 619329.

Allele frequency attached by ClinVar (database versions not stated): TOPMed 0.00003; gnomAD exomes 0.00006 and 0.00016; ESP Exome Variant Server 0.00008; gnomAD 0.00010 and 0.00011; ExAC 0.00013.
gnomAD v4.1: 102 of 1,614,066 alleles (0.0063%); highest among the groups gnomAD compares: South Asian, 0.03%; no homozygotes.

Submissions (8):

Labcorp Genetics (formerly Invitae), Labcorp
Classification: Benign for Ehlers-Danlos syndrome, classic type, 1. Last evaluated: 2026-01-15. Review status: criteria provided, single submitter. Criteria: Invitae Variant Classification Sherloc (09022015). Collection method: clinical testing. Allele origin: germline.

Blueprint Genetics
Classification: Likely benign. Last evaluated: 2024-03-27. Review status: criteria provided, single submitter. Criteria: ACMG Guidelines, 2015. Collection method: clinical testing. Allele origin: germline.

CeGaT Center for Human Genetics Tuebingen
Classification: Likely benign. Last evaluated: 2023-11-01. Review status: criteria provided, single submitter. Criteria: CeGaT Center For Human Genetics Tuebingen Variant Classification Criteria Version 2. Collection method: clinical testing. Allele origin: germline. Affected: yes. Observed: 1 variant allele.
Comment: COL5A1: BP4, BP7

Ambry Genetics
Classification: Likely benign for Familial thoracic aortic aneurysm and aortic dissection. Last evaluated: 2023-01-16. Review status: criteria provided, single submitter. Criteria: Ambry Variant Classification Scheme 2023. Collection method: clinical testing. Allele origin: germline.

Genome-Nilou Lab
Classification: Benign for Ehlers-Danlos syndrome, classic type, 1. Last evaluated: 2022-03-15. Review status: criteria provided, single submitter. Criteria: ACMG Guidelines, 2015. Collection method: clinical testing. Allele origin: germline. Affected: no.

Genome-Nilou Lab
Classification: Benign for Fibromuscular dysplasia, multifocal. Last evaluated: 2022-03-15. Review status: criteria provided, single submitter. Criteria: ACMG Guidelines, 2015. Collection method: clinical testing. Allele origin: germline. Affected: no.

GeneDx
Classification: Likely benign. Last evaluated: 2016-10-10. Review status: criteria provided, single submitter. Criteria: GeneDx Variant Classification (06012015). Collection method: clinical testing. Allele origin: germline. Affected: yes.
Comment: This variant is considered likely benign or benign based on one or more of the following criteria: it is a conservative change, it occurs at a poorly conserved position in the protein, it is predicted to be benign by multiple in silico algorithms, and/or has population frequency not consistent with disease.

PreventionGenetics, part of Exact Sciences
Classification: Likely benign for COL5A1-related condition. Last evaluated: 2022-05-24. Review status: no assertion criteria provided. Collection method: clinical testing. Allele origin: germline. Not counted in ClinVar's aggregate classification.
Comment: This variant is classified as likely benign based on ACMG/AMP sequence variant interpretation guidelines (Richards et al. 2015 PMID: 25741868, with internal and published modifications).